The following is an entry in ClinVar:

NM_001360016.2(G6PD):c.354C>G (p.Tyr118Ter)

Gene: G6PD (glucose-6-phosphate dehydrogenase; minus strand). Cytogenetic location: Xq28.
Variant type: single nucleotide variant.
Coding change: c.354C>G on transcript NM_001360016.2 (MANE Select); coding-DNA position 354, C replaced by G.
Protein change: p.Tyr118Ter; replaces tyrosine 118 with a stop codon.
Molecular consequence: nonsense.
Genome position (GRCh38, 1-based): chrX:154,535,299, G>C on the plus strand (C>G on the coding strand, the complement: G6PD is on the minus strand). VCF-style: chrX-154535299-G-C. GRCh37 (hg19) VCF-style: chrX-153763514-G-C.
Other names: c.444C>G, p.Tyr148Ter (NM_000402.4); c.354C>G, p.Tyr118Ter (NM_001042351.3); short protein forms Y118*, Y148*.
Identifiers: ClinVar variation 3339516 (VCV003339516.1).

ClinVar aggregate classification (germline): Pathogenic (1 of 4 stars; one submission).

Conditions:
Anemia, nonspherocytic hemolytic, due to G6PD deficiency (CNSHA1). Also called: Hemolytic anemia due to G6PD deficiency; Class I glucose-6-phosphate dehydrogenase deficiency; Favism, susceptibility to; ANEMIA, CONGENITAL, NONSPHEROCYTIC HEMOLYTIC, 1. Identifiers: Orphanet 466026, MedGen C2720289, MONDO:0010480, OMIM 300908.

Submission:

Dunham Lab, University of Washington
Classification: Pathogenic for Anemia, nonspherocytic hemolytic, due to G6PD deficiency. Last evaluated: 2024-09-01. Review status: criteria provided, single submitter. Criteria: ACMG Guidelines, 2015. Collection method: curation. Allele origin: unknown.
Comment: Introduces stop codon at residue 118 (PVS1). Not found in gnomAD (PM2). Post_P 0.994 (odds of pathogenicity 1515.5, Prior_P 0.1).

Literature cited by the submitters: PubMed 38645242.